The following is an entry in ClinVar:

ClinVar aggregate classification (germline): Uncertain significance. Review status: criteria provided, multiple submitters, no conflicts (2 of 4 stars). 2 submissions from 2 submitters: Uncertain significance (2). Last evaluated 2025-06-25.

Submissions (2):

Labcorp Genetics (formerly Invitae), Labcorp
Classification: Uncertain significance. Last evaluated: 2025-06-25. Review status: criteria provided, single submitter. Criteria: Invitae Variant Classification Sherloc (09022015). Collection method: clinical testing. Allele origin: germline.
Comment: This sequence change replaces glutamine, which is neutral and polar, with histidine, which is basic and polar, at codon 267 of the RNF113A protein (p.Gln267His). This variant is not present in population databases (gnomAD no frequency). This variant has not been reported in the literature in individuals affected with RNF113A-related conditions. ClinVar contains an entry for this variant (Variation ID: 3789500). Invitae Evidence Modeling of protein sequence and biophysical properties (such as structural, functional, and spatial information, amino acid conservation, physicochemical variation, residue mobility, and thermodynamic stability) indicates that this missense variant is expected to disrupt RNF113A protein function with a positive predictive value of 80%. In summary, the available evidence is currently insufficient to determine the role of this variant in disease. Therefore, it has been classified as a Variant of Uncertain Significance.

Ambry Genetics
Classification: Uncertain significance. Last evaluated: 2024-12-25. Review status: criteria provided, single submitter. Criteria: Ambry Variant Classification Scheme 2023. Collection method: clinical testing. Allele origin: germline.

NM_006978.3(RNF113A):c.801G>C (p.Gln267His)

Gene: RNF113A (ring finger protein 113A; minus strand). Cytogenetic location: Xq24.
Variant type: single nucleotide variant.
Coding change: c.801G>C on transcript NM_006978.3 (MANE Select); coding-DNA position 801, G replaced by C.
Protein change: p.Gln267His; replaces glutamine 267 with histidine.
Molecular consequence: missense variant.
Genome position (GRCh38, 1-based): chrX:119,870,813, C>G on the plus strand (G>C on the coding strand, the complement: RNF113A is on the minus strand). VCF-style: chrX-119870813-C-G. GRCh37 (hg19) VCF-style: chrX-119004776-C-G.
Other names: short protein forms Q267H.
Identifiers: ClinVar variation 3789500 (VCV003789500.2).